The following is an entry in ClinVar:

ClinVar aggregate classification (germline): Uncertain significance (1 of 4 stars; one submission).

Conditions:
Familial hemophagocytic lymphohistiocytosis 3 (FHL3). Also called: UNC13D-Related Familial Hemophagocytic Lymphohistiocytosis (UNC13D-fHLH). Identifiers: Orphanet 540, MedGen C1837174, MONDO:0012146, OMIM 608898.

Submission:

Labcorp Genetics (formerly Invitae), Labcorp
Classification: Uncertain significance for Familial hemophagocytic lymphohistiocytosis 3. Last evaluated: 2022-10-17. Review status: criteria provided, single submitter. Criteria: Invitae Variant Classification Sherloc (09022015). Collection method: clinical testing. Allele origin: germline.
Comment: This variant has not been reported in the literature in individuals affected with UNC13D-related conditions. This sequence change falls in intron 15 of the UNC13D gene. It does not directly change the encoded amino acid sequence of the UNC13D protein. It affects a nucleotide within the consensus splice site. This variant is not present in population databases (gnomAD no frequency). ClinVar contains an entry for this variant (Variation ID: 1468061). Variants that disrupt the consensus splice site are a relatively common cause of aberrant splicing (PMID: 17576681, 9536098). Algorithms developed to predict the effect of sequence changes on RNA splicing suggest that this variant is not likely to affect RNA splicing. In summary, the available evidence is currently insufficient to determine the role of this variant in disease. Therefore, it has been classified as a Variant of Uncertain Significance.

Literature cited by the submitters: PubMed 17576681; PubMed 9536098.

NM_199242.3(UNC13D):c.1389+6G>A

Gene: UNC13D (unc-13 homolog D; minus strand). Cytogenetic location: 17q25.1.
Variant type: single nucleotide variant.
Coding change: c.1389+6G>A on transcript NM_199242.3 (MANE Select); 6 bases into the intron after coding-DNA position 1389, G replaced by A.
Molecular consequence: intron variant.
Genome position (GRCh38, 1-based): chr17:75,836,333, C>T on the plus strand (G>A on the coding strand, the complement: UNC13D is on the minus strand). VCF-style: chr17-75836333-C-T. GRCh37 (hg19) VCF-style: chr17-73832414-C-T.
Identifiers: ClinVar variation 1468061 (VCV001468061.6), dbSNP rs2143881463, ClinGen allele CA2573154830.